The following is an entry in ClinVar:

ClinVar aggregate classification (germline): Uncertain significance (1 of 4 stars; one submission).

Allele frequency attached by ClinVar (database versions not stated): ExAC 0.00001; TOPMed 0.00001.

Submission:

Labcorp Genetics (formerly Invitae), Labcorp
Classification: Uncertain significance. Last evaluated: 2024-10-15. Review status: criteria provided, single submitter. Criteria: Invitae Variant Classification Sherloc (09022015). Collection method: clinical testing. Allele origin: germline.
Comment: This sequence change replaces valine, which is neutral and non-polar, with isoleucine, which is neutral and non-polar, at codon 411 of the HNF1A protein (p.Val411Ile). This variant is present in population databases (rs767284188, gnomAD 0.003%). This variant has not been reported in the literature in individuals affected with HNF1A-related conditions. Invitae Evidence Modeling of protein sequence and biophysical properties (such as structural, functional, and spatial information, amino acid conservation, physicochemical variation, residue mobility, and thermodynamic stability) indicates that this missense variant is not expected to disrupt HNF1A protein function with a negative predictive value of 80%. In summary, the available evidence is currently insufficient to determine the role of this variant in disease. Therefore, it has been classified as a Variant of Uncertain Significance.

NM_000545.8(HNF1A):c.1231G>A (p.Val411Ile)

Gene: HNF1A (HNF1 homeobox A; plus strand). Cytogenetic location: 12q24.31.
Variant type: single nucleotide variant.
Coding change: c.1231G>A on transcript NM_000545.8 (MANE Select); coding-DNA position 1231, G replaced by A.
Protein change: p.Val411Ile; replaces valine 411 with isoleucine.
Molecular consequence: missense variant.
Genome position (GRCh38, 1-based): chr12:120,996,664, G>A. VCF-style: chr12-120996664-G-A. GRCh37 (hg19) VCF-style: chr12-121434467-G-A.
Other names: c.1231G>A, p.Val411Ile (NM_001306179.2, NM_001406915.1); short protein forms V411I.
Identifiers: ClinVar variation 2914910 (VCV002914910.3), dbSNP rs767284188, ClinGen allele CA6831972.